The following is an entry in ClinVar:

ClinVar aggregate classification (germline): Uncertain significance. Review status: criteria provided, multiple submitters, no conflicts (2 of 4 stars). 2 submissions from 2 submitters: Uncertain significance (2). Last evaluated 2023-05-04.

Conditions:
Inborn genetic diseases. Identifiers: MedGen C0950123, MeSH D030342.

Allele frequency attached by ClinVar (database versions not stated): gnomAD exomes below 0.00001; ExAC 0.00001.
gnomAD v4.1: 1 of 1,612,436 alleles (0.000062%); highest among the groups gnomAD compares: South Asian, 0.0011%; no homozygotes.

Submissions (2):

Ambry Genetics
Classification: Uncertain significance for Inborn genetic diseases. Last evaluated: 2023-05-04. Review status: criteria provided, single submitter. Criteria: Ambry Variant Classification Scheme 2023. Collection method: clinical testing. Allele origin: germline.
Comment: The p.L594P variant (also known as c.1781T>C), located in coding exon 8 of the ATR gene, results from a T to C substitution at nucleotide position 1781. The leucine at codon 594 is replaced by proline, an amino acid with similar properties. This amino acid position is conserved. In addition, this alteration is predicted to be deleterious by in silico analysis. Since supporting evidence is limited at this time, the clinical significance of this alteration remains unclear.

Labcorp Genetics (formerly Invitae), Labcorp
Classification: Uncertain significance. Last evaluated: 2021-10-01. Review status: criteria provided, single submitter. Criteria: Invitae Variant Classification Sherloc (09022015). Collection method: clinical testing. Allele origin: germline.
Comment: In summary, the available evidence is currently insufficient to determine the role of this variant in disease. Therefore, it has been classified as a Variant of Uncertain Significance. This sequence change replaces leucine with proline at codon 594 of the ATR protein (p.Leu594Pro). The leucine residue is moderately conserved and there is a moderate physicochemical difference between leucine and proline. This variant is present in population databases (rs769301203, ExAC 0.006%). This variant has not been reported in the literature in individuals affected with ATR-related conditions. Algorithms developed to predict the effect of missense changes on protein structure and function are either unavailable or do not agree on the potential impact of this missense change (SIFT: "Deleterious"; PolyPhen-2: "Possibly Damaging"; Align-GVGD: "Class C0").

NM_001184.4(ATR):c.1781T>C (p.Leu594Pro)

Gene: ATR (ATR checkpoint kinase; minus strand). Cytogenetic location: 3q23.
Variant type: single nucleotide variant.
Coding change: c.1781T>C on transcript NM_001184.4 (MANE Select); coding-DNA position 1781, T replaced by C.
Protein change: p.Leu594Pro; replaces leucine 594 with proline.
Molecular consequence: missense variant.
Genome position (GRCh38, 1-based): chr3:142,558,728, A>G on the plus strand (T>C on the coding strand, the complement: ATR is on the minus strand). VCF-style: chr3-142558728-A-G. GRCh37 (hg19) VCF-style: chr3-142277570-A-G.
Other names: c.1589T>C, p.Leu530Pro (NM_001354579.2); c.1781T>C (NM_001184.3); short protein forms L594P, L530P.
Identifiers: ClinVar variation 1403020 (VCV001403020.7), dbSNP rs769301203, ClinGen allele CA2650516.
Genomic context (GRCh38, chr3:142,558,728, plus strand): 5'-GCAAATGTGGTCAACTTTAAACAGCCATCATCAGAATGGGAATAAATCCATGGAAGTGAG[A>G]GCATACCACATAAATCTTCCAGGATATGATCTTCAAATGAACTGTTTACTACAGAAGCAC-3'
Protein context (NP_001175.2, residues 584-604): DHILEDLCGM[Leu594Pro]SLPWIYSHSD